The following is an entry in ClinVar:

NM_003242.6(TGFBR2):c.43G>A (p.Val15Ile)

Gene: TGFBR2 (transforming growth factor beta receptor 2; plus strand). Cytogenetic location: 3p24.1.
Variant type: single nucleotide variant.
Coding change: c.43G>A on transcript NM_003242.6 (MANE Select); coding-DNA position 43, G replaced by A.
Protein change: p.Val15Ile; replaces valine 15 with isoleucine.
Molecular consequence: missense variant.
Genome position (GRCh38, 1-based): chr3:30,606,926, G>A. VCF-style: chr3-30606926-G-A. GRCh37 (hg19) VCF-style: chr3-30648418-G-A.
Other names: c.43G>A, p.Val15Ile (NM_001024847.3, NM_001407126.1, NM_001407127.1 and 4 more transcripts); c.-241G>A (NM_001407133.1); c.-119G>A (NM_001407134.1); c.-166G>A (NM_001407135.1); c.-251G>A (NM_001407136.1); short protein forms V15I.
Identifiers: ClinVar variation 923189 (VCV000923189.5), dbSNP rs1182907194, ClinGen allele CA351830537.
Genomic context (GRCh38, chr3:30,606,926, plus strand): 5'-CGAGCAGCGGGGTCTGCCATGGGTCGGGGGCTGCTCAGGGGCCTGTGGCCGCTGCACATC[G>A]TCCTGTGGACGCGTATCGCCAGCACGATCCCACCGCACGTTCAGAAGTCGGGTGAGTGGT-3'
Protein context (NP_003233.4, residues 5-25): LLRGLWPLHI[Val15Ile]LWTRIASTIP

ClinVar aggregate classification (germline): Uncertain significance (1 of 4 stars; one submission).

Conditions:
Familial thoracic aortic aneurysm and aortic dissection (TAAD). Also called: Thoracic aortic aneurysms and dissections. Identifiers: Orphanet 91387, MedGen C4707243, MONDO:0019625.

Submission:

Color Diagnostics, LLC DBA Color Health
Classification: Uncertain significance for Familial thoracic aortic aneurysm and aortic dissection. Last evaluated: 2024-03-06. Review status: criteria provided, single submitter. Criteria: ACMG Guidelines, 2015. Collection method: clinical testing. Allele origin: germline.
Comment: This missense variant replaces valine with isoleucine at codon 15 of the TGFBR2 protein. Computational prediction suggests that this variant may not impact protein structure and function (internally defined REVEL score threshold <= 0.5, PMID: 27666373). To our knowledge, functional studies have not been reported for this variant. This variant has not been reported in individuals affected with cardiovascular disorders in the literature. This variant has not been identified in the general population by the Genome Aggregation Database (gnomAD). The available evidence is insufficient to determine the role of this variant in disease conclusively. Therefore, this variant is classified as a Variant of Uncertain Significance.